The following is an entry in ClinVar:

NM_001366207.1(DLG1):c.1030G>A (p.Val344Ile)

Gene: DLG1 (discs large MAGUK scaffold protein 1; minus strand). Cytogenetic location: 3q29.
Variant type: single nucleotide variant.
Coding change: c.1030G>A on transcript NM_001366207.1 (MANE Select); coding-DNA position 1030, G replaced by A.
Protein change: p.Val344Ile; replaces valine 344 with isoleucine.
Molecular consequence: missense variant. On other transcripts: non-coding transcript variant (4).
Genome position (GRCh38, 1-based): chr3:197,130,662, C>T on the plus strand (G>A on the coding strand, the complement: DLG1 is on the minus strand). VCF-style: chr3-197130662-C-T. GRCh37 (hg19) VCF-style: chr3-196857533-C-T.
Other names: c.1129G>A, p.Val377Ile (NM_001098424.1, NM_001290983.2, NM_001366214.1 and 2 more transcripts); c.1030G>A, p.Val344Ile (NM_001204386.1, NM_001363865.1, NM_001366204.1 and 9 more transcripts); c.781G>A, p.Val261Ile (NM_001204387.2, NM_001204388.2); c.976G>A, p.Val326Ile (NM_001366203.1, NM_001366206.1, NM_001366216.1 and 2 more transcripts); c.880G>A, p.Val294Ile (NM_001366221.1, NM_001366222.1); short protein forms V261I, V294I, V326I, V344I, V377I.
Identifiers: ClinVar variation 3035494 (VCV003035494.2), dbSNP rs151290819, ClinGen allele CA2785576.

ClinVar aggregate classification (germline): Likely benign (0 of 4 stars; one submission).

Conditions:
DLG1-related disorder. Also called: DLG1-related condition.

Allele frequency attached by ClinVar (database versions not stated): ESP Exome Variant Server 0.00031; 1000 Genomes Project 0.00040; gnomAD 0.00060; 1000 Genomes Project 30x 0.00062; TOPMed 0.00067; ExAC 0.00069.

Submission:

PreventionGenetics, part of Exact Sciences
Classification: Likely benign for DLG1-related condition. Last evaluated: 2020-07-13. Review status: no assertion criteria provided. Collection method: clinical testing. Allele origin: germline.
Comment: This variant is classified as likely benign based on ACMG/AMP sequence variant interpretation guidelines (Richards et al. 2015 PMID: 25741868, with internal and published modifications).